The following is an entry in ClinVar:

ClinVar aggregate classification (germline): Pathogenic/Likely pathogenic. Review status: criteria provided, multiple submitters, no conflicts (2 of 4 stars). 6 submissions from 6 submitters: Pathogenic (5); Likely pathogenic (1). Last evaluated 2026-01-23.

Conditions:
Galactosemia. Also called: Galactose intolerance. Identifiers: Orphanet 352, MedGen C0016952, MONDO:0018116, HP:0004919. Disease mechanism: loss of function.
Deficiency of UDPglucose-hexose-1-phosphate uridylyltransferase. Also called: Transferase Deficiency Galactosemia; GALACTOSE-1-PHOSPHATE URIDYLYLTRANSFERASE DEFICIENCY; GALT deficiency; Galactosemia, classic; GALACTOSEMIA I. Identifiers: Orphanet 352, Orphanet 79239, MedGen C0268151, MONDO:0009258, OMIM 230400.
GALT-related disorder. Also called: GALT-related condition.

Allele frequency attached by ClinVar (database versions not stated): gnomAD exomes 0.00001.

Submissions (6):

Natera, Inc.
Classification: Pathogenic for Galactosemia. Last evaluated: 2026-01-23. Review status: criteria provided, single submitter. Criteria: Natera Variant Classification Schema (03/2026). Collection method: clinical testing. Allele origin: germline.
Comment: The c.1138T>C variant in GALT is a stop-loss variant predicted to disrupt the normal termination codon and extend translation beyond the canonical stop site. This variant is rare in the general population with a frequency below the threshold expected for the associated phenotype(s). This variant has been observed in one or more individuals affected with the associated recessive disease, as either homozygous or compound heterozygous with a second variant (PMID: 20213376, 34030713). Computational prediction algorithms indicate this variant is likely to affect gene or protein function. Given the available evidence, this variant is classified as Pathogenic.

GeneDx
Classification: Pathogenic. Last evaluated: 2025-06-03. Review status: criteria provided, single submitter. Criteria: GeneDx Variant Classification Process June 2021. Collection method: clinical testing. Allele origin: germline. Affected: yes.
Comment: Stop codon loss and change to a Arginine codon, leading to protein extension and the addition of an indeterminate number of amino acid(s) at the C-terminus in a gene for which protein extension is a known mechanism of disease; Not observed at significant frequency in large population cohorts (gnomAD); This variant is associated with the following publications: (PMID: 22975760, 10408771, 15633893, 15841485, 28065439, 34030713, 20213376, 10649501, 31845337)

Blueprint Genetics
Classification: Pathogenic for GALT-related disorders. Last evaluated: 2024-08-08. Review status: criteria provided, single submitter. Criteria: ACMG Guidelines, 2015. Collection method: clinical testing. Allele origin: germline. Affected: yes. Observed: 2 variant alleles.

Mayo Clinic Laboratories, Mayo Clinic
Classification: Pathogenic. Last evaluated: 2024-02-09. Review status: criteria provided, single submitter. Criteria: ACMG Guidelines, 2015. Collection method: clinical testing. Allele origin: germline. Observed: 1 variant allele.
Comment: PP4, PM2_moderate, PM3, PM4, PM5, PS4

Baylor Genetics
Classification: Likely pathogenic for Deficiency of UDPglucose-hexose-1-phosphate uridylyltransferase. Last evaluated: 2023-08-21. Review status: criteria provided, single submitter. Criteria: ACMG Guidelines, 2015. Collection method: clinical testing. Allele origin: unknown.

Labcorp Genetics (formerly Invitae), Labcorp
Classification: Pathogenic for Deficiency of UDPglucose-hexose-1-phosphate uridylyltransferase. Last evaluated: 2022-06-11. Review status: criteria provided, single submitter. Criteria: Invitae Variant Classification Sherloc (09022015). Collection method: clinical testing. Allele origin: germline.
Comment: Experimental studies have shown that this protein extension affects GALT function (PMID: 15633893). Algorithms developed to predict the effect of variants on protein structure and function are not available or were not evaluated for this variant. This variant is also known as p.Ter380Arg, X380R. This protein extension has been observed in individual(s) with galactose-1-phosphate uridylyltransferase deficiency (PMID: 10649501, 15633893, 20213376, 34030713). This variant is present in population databases (rs111033824, gnomAD 0.003%). This sequence change disrupts the translational stop signal of the GALT mRNA. It is expected to extend the length of the GALT protein by 49 additional amino acid residues. For these reasons, this variant has been classified as Pathogenic.

Literature cited by the submitters: PubMed 20213376 (cited by Natera, Inc. and Labcorp Genetics (formerly Invitae), Labcorp); PubMed 34030713 (cited by 3 submitters); PubMed 10408771 (cited by Mayo Clinic Laboratories, Mayo Clinic); PubMed 10649501 (cited by Mayo Clinic Laboratories, Mayo Clinic and Labcorp Genetics (formerly Invitae), Labcorp); PubMed 15841485 (cited by Mayo Clinic Laboratories, Mayo Clinic); PubMed 22975760 (cited by Mayo Clinic Laboratories, Mayo Clinic); PubMed 28065439 (cited by Mayo Clinic Laboratories, Mayo Clinic); PubMed 31845337 (cited by Mayo Clinic Laboratories, Mayo Clinic); PubMed 15633893 (cited by Labcorp Genetics (formerly Invitae), Labcorp).

NM_000155.4(GALT):c.1138T>C (p.Ter380Arg)

Gene: GALT (galactose-1-phosphate uridylyltransferase; plus strand). Cytogenetic location: 9p13.3.
Variant type: single nucleotide variant.
Coding change: c.1138T>C on transcript NM_000155.4 (MANE Select); coding-DNA position 1138, T replaced by C.
Protein change: p.Ter380Arg.
Molecular consequence: stop lost.
Genome position (GRCh38, 1-based): chr9:34,650,447, T>C. VCF-style: chr9-34650447-T-C. GRCh37 (hg19) VCF-style: chr9-34650444-T-C.
Other names: *380R; *271R; p.*380Arge*t*49; c.811T>C, p.Ter271Arg (NM_001258332.2); c.1138T>C (NM_000155.2, NM_000155.3).
Identifiers: ClinVar variation 2136762 (VCV002136762.9), dbSNP rs111033824, ClinGen allele CA259590.
Genomic context (GRCh38, chr9:34,650,447, plus strand): 5'-GCACTTCCTGAGGTTCATTACCACCTGGGGCAGAAGGACAGGGAGACAGCAACCATCGCC[T>C]GACCACGCCGACCACAGGGCCTTGAATCCTTTTTTGTTTTCAACAGTCTTGCTGAATTAA-3'